The following is an entry in ClinVar:

NM_000531.6(OTC):c.449C>A (p.Thr150Asn)

Gene: OTC (ornithine transcarbamylase; plus strand). Cytogenetic location: Xp11.4.
Variant type: single nucleotide variant.
Coding change: c.449C>A on transcript NM_000531.6 (MANE Select); coding-DNA position 449, C replaced by A.
Protein change: p.Thr150Asn; replaces threonine 150 with asparagine.
Molecular consequence: missense variant.
Genome position (GRCh38, 1-based): chrX:38,401,337, C>A. VCF-style: chrX-38401337-C-A. GRCh37 (hg19) VCF-style: chrX-38260590-C-A.
Other names: short protein forms T150N.
Identifiers: ClinVar variation 1581907 (VCV001581907.10), dbSNP rs766735977, ClinGen allele CA10385874.

ClinVar aggregate classification (germline): Conflicting classifications of pathogenicity. Review status: criteria provided, conflicting classifications (1 of 4 stars). 3 submissions from 3 submitters: Uncertain significance (2); Likely benign (1). Last evaluated 2024-09-23.

Conditions:
Ornithine carbamoyltransferase deficiency (OTCD). Also called: Ornithine Carbamoyltransferase Deficiency Disease; OTC DEFICIENCY; ORNITHINE TRANSCARBAMYLASE DEFICIENCY; ORNITHINE TRANSCARBAMYLASE DEFICIENCY, HYPERAMMONEMIA DUE TO. Identifiers: Orphanet 664, MedGen C0268542, MONDO:0010703, OMIM 311250.

Allele frequency attached by ClinVar (database versions not stated): TOPMed 0.00002.
gnomAD v4.1: 9 of 1,195,319 alleles (0.00075%); highest among the groups gnomAD compares: African/African-American, 0.0088%; no homozygotes.

Submissions (3):

All of Us Research Program, National Institutes of Health
Classification: Uncertain significance for Ornithine carbamoyltransferase deficiency. Last evaluated: 2024-09-23. Review status: criteria provided, single submitter. Criteria: ACMG Guidelines, 2015. Collection method: clinical testing. Allele origin: germline. Inheritance: X-linked inheritance. Observed: 2 variant alleles, 1 heterozygote, 1 homozygote.
Comment: This missense variant replaces threonine with asparagine at codon 150 of the OTC protein. Computational prediction suggests that this variant may not impact protein structure and function. In a functional study, this variant did not disrupt growth in yeast cells expressing OTC. This variant has not been reported in individuals affected with ornithine carbamoyltransferase deficiency in the literature. This variant has been identified in 5/182812 chromosomes in the general population by the Genome Aggregation Database (gnomAD). The available evidence is insufficient to determine the role of this variant in disease conclusively. Therefore, this variant is classified as a Variant of Uncertain Significance.

This study involves interpretation of variants in research participants for the purpose of population health screening. Participant phenotype was not available at the time of variant classification. Additional details can be found in publication PMID: 35346344, PMCID: PMC8962531

Color Diagnostics, LLC DBA Color Health
Classification: Uncertain significance for Ornithine carbamoyltransferase deficiency. Last evaluated: 2024-07-24. Review status: criteria provided, single submitter. Criteria: ACMG Guidelines, 2015. Collection method: clinical testing. Allele origin: germline.
Comment: This missense variant replaces threonine with asparagine at codon 150 of the OTC protein. Computational prediction suggests that this variant may not impact protein structure and function. In a functional study, this variant did not disrupt growth in yeast cells expressing OTC. This variant has not been reported in individuals affected with ornithine carbamoyltransferase deficiency in the literature. This variant has been identified in 5/182812 chromosomes in the general population by the Genome Aggregation Database (gnomAD). The available evidence is insufficient to determine the role of this variant in disease conclusively. Therefore, this variant is classified as a Variant of Uncertain Significance.

Labcorp Genetics (formerly Invitae), Labcorp
Classification: Likely benign for Ornithine carbamoyltransferase deficiency. Last evaluated: 2024-02-20. Review status: criteria provided, single submitter. Criteria: Invitae Variant Classification Sherloc (09022015). Collection method: clinical testing. Allele origin: germline.